The following is an entry in ClinVar:

ClinVar aggregate classification (germline): Likely benign (1 of 4 stars; one submission).

Allele frequency attached by ClinVar (database versions not stated): 1000 Genomes Project 0.00080; 1000 Genomes Project 30x 0.00094; ESP Exome Variant Server 0.00114; TOPMed 0.00141; gnomAD 0.00344.
gnomAD v4.1: 4,847 of 1,611,354 alleles (0.3%); highest among the groups gnomAD compares: Non-Finnish European, 0.23%; 29 homozygotes.

Submission:

CeGaT Center for Human Genetics Tuebingen
Classification: Likely benign. Last evaluated: 2024-03-01. Review status: criteria provided, single submitter. Criteria: CeGaT Center For Human Genetics Tuebingen Variant Classification Criteria Version 2. Collection method: clinical testing. Allele origin: germline. Affected: yes. Observed: 1 variant allele.
Comment: MYO18A: BS2

NM_078471.4(MYO18A):c.1759C>T (p.Arg587Trp)

Gene: MYO18A (myosin XVIIIA; minus strand). Cytogenetic location: 17q11.2.
Variant type: single nucleotide variant.
Coding change: c.1759C>T on transcript NM_078471.4 (MANE Select); coding-DNA position 1759, C replaced by T.
Protein change: p.Arg587Trp; replaces arginine 587 with tryptophan.
Molecular consequence: missense variant.
Genome position (GRCh38, 1-based): chr17:29,119,405, G>A on the plus strand (C>T on the coding strand, the complement: MYO18A is on the minus strand). VCF-style: chr17-29119405-G-A. GRCh37 (hg19) VCF-style: chr17-27446423-G-A.
Other names: c.1795C>T, p.Arg599Trp (NM_001346765.2, NM_001346766.2); c.1759C>T, p.Arg587Trp (NM_001346767.2, NM_203318.2); c.385C>T, p.Arg129Trp (NM_001346768.2); short protein forms R129W, R587W, R599W.
Identifiers: ClinVar variation 3067215 (VCV003067215.21), dbSNP rs200838366, ClinGen allele CA8473169.